The following is an entry in ClinVar:

ClinVar aggregate classification (germline): Uncertain significance. Review status: criteria provided, multiple submitters, no conflicts (2 of 4 stars). 2 submissions from 2 submitters: Uncertain significance (2). Last evaluated 2025-07-30.

Conditions:
Hereditary cancer-predisposing syndrome. Also called: Neoplastic Syndromes, Hereditary; Tumor predisposition; Hereditary Cancer Syndrome; Hereditary neoplastic syndrome. Identifiers: Orphanet 140162, MedGen C0027672, MeSH D009386, MONDO:0015356.
Gastrointestinal stromal tumor. Also called: Gastrointestinal stromal tumor, somatic; Gastrointestinal stroma tumor. Identifiers: Orphanet 44890, MedGen C0238198, MeSH D046152, MONDO:0011719, OMIM 606764, HP:0100723.

Allele frequency attached by ClinVar (database versions not stated): gnomAD exomes below 0.00001; TOPMed below 0.00001; gnomAD 0.00001.
gnomAD v4.1: 4 of 1,613,300 alleles (0.00025%); highest among the groups gnomAD compares: East Asian, 0.0067%; no homozygotes.

Submissions (2):

Labcorp Genetics (formerly Invitae), Labcorp
Classification: Uncertain significance for Gastrointestinal stromal tumor. Last evaluated: 2025-07-30. Review status: criteria provided, single submitter. Criteria: Invitae Variant Classification Sherloc (09022015). Collection method: clinical testing. Allele origin: germline.
Comment: This sequence change replaces lysine, which is basic and polar, with glutamic acid, which is acidic and polar, at codon 770 of the PDGFRA protein (p.Lys770Glu). This variant is not present in population databases (gnomAD no frequency). This variant has not been reported in the literature in individuals affected with PDGFRA-related conditions. ClinVar contains an entry for this variant (Variation ID: 859318). Invitae Evidence Modeling of protein sequence and biophysical properties (such as structural, functional, and spatial information, amino acid conservation, physicochemical variation, residue mobility, and thermodynamic stability) indicates that this missense variant is not expected to disrupt PDGFRA protein function with a negative predictive value of 80%. In summary, the available evidence is currently insufficient to determine the role of this variant in disease. Therefore, it has been classified as a Variant of Uncertain Significance.

Ambry Genetics
Classification: Uncertain significance for Hereditary cancer-predisposing syndrome. Last evaluated: 2023-11-29. Review status: criteria provided, single submitter. Criteria: Ambry Variant Classification Scheme 2023. Collection method: clinical testing. Allele origin: germline.
Comment: The p.K770E variant (also known as c.2308A>G), located in coding exon 15 of the PDGFRA gene, results from an A to G substitution at nucleotide position 2308. The lysine at codon 770 is replaced by glutamic acid, an amino acid with similar properties. This amino acid position is conserved. In addition, the in silico prediction for this alteration is inconclusive. Since supporting evidence is limited at this time, the clinical significance of this alteration remains unclear.

NM_006206.6(PDGFRA):c.2308A>G (p.Lys770Glu)

Gene: PDGFRA (platelet derived growth factor receptor alpha; plus strand). Cytogenetic location: 4q12.
Variant type: single nucleotide variant.
Coding change: c.2308A>G on transcript NM_006206.6 (MANE Select); coding-DNA position 2308, A replaced by G.
Protein change: p.Lys770Glu; replaces lysine 770 with glutamic acid.
Molecular consequence: missense variant.
Genome position (GRCh38, 1-based): chr4:54,280,467, A>G. VCF-style: chr4-54280467-A-G. GRCh37 (hg19) VCF-style: chr4-55146634-A-G.
Other names: c.2308A>G, p.Lys770Glu (NM_001347827.2, NM_001347829.2); c.2383A>G, p.Lys795Glu (NM_001347828.2); c.2347A>G, p.Lys783Glu (NM_001347830.2); short protein forms K770E, K783E, K795E.
Identifiers: ClinVar variation 859318 (VCV000859318.11), dbSNP rs1248440566, ClinGen allele CA356894524.